The following is an entry in ClinVar:

NM_001190787.3(MCIDAS):c.277G>A (p.Ala93Thr)

Gene: MCIDAS (multiciliate differentiation and DNA synthesis associated cell cycle protein; minus strand). Cytogenetic location: 5q11.2.
Variant type: single nucleotide variant.
Coding change: c.277G>A on transcript NM_001190787.3 (MANE Select); coding-DNA position 277, G replaced by A.
Protein change: p.Ala93Thr; replaces alanine 93 with threonine.
Molecular consequence: missense variant.
Genome position (GRCh38, 1-based): chr5:55,226,608, C>T on the plus strand (G>A on the coding strand, the complement: MCIDAS is on the minus strand). VCF-style: chr5-55226608-C-T. GRCh37 (hg19) VCF-style: chr5-54522436-C-T.
Other names: short protein forms A93T.
Identifiers: ClinVar variation 2965006 (VCV002965006.3), dbSNP rs115971569, ClinGen allele CA359733803.

ClinVar aggregate classification (germline): Uncertain significance (1 of 4 stars; one submission).

Conditions:
Primary ciliary dyskinesia. Also called: Ciliary dyskinesia. Identifiers: Orphanet 244, MedGen C0008780, MONDO:0016575, HP:0012265.

gnomAD v4.1: 4 of 1,532,396 alleles (0.00026%); highest among the groups gnomAD compares: African/African-American, 0.0041%; no homozygotes.

Submission:

Labcorp Genetics (formerly Invitae), Labcorp
Classification: Uncertain significance for Primary ciliary dyskinesia. Last evaluated: 2023-01-15. Review status: criteria provided, single submitter. Criteria: Invitae Variant Classification Sherloc (09022015). Collection method: clinical testing. Allele origin: germline.
Comment: In summary, the available evidence is currently insufficient to determine the role of this variant in disease. Therefore, it has been classified as a Variant of Uncertain Significance. This sequence change replaces alanine, which is neutral and non-polar, with threonine, which is neutral and polar, at codon 93 of the MCIDAS protein (p.Ala93Thr). Advanced modeling of protein sequence and biophysical properties (such as structural, functional, and spatial information, amino acid conservation, physicochemical variation, residue mobility, and thermodynamic stability) performed at Invitae indicates that this missense variant is not expected to disrupt MCIDAS protein function. This variant has not been reported in the literature in individuals affected with MCIDAS-related conditions. This variant is not present in population databases (gnomAD no frequency).